The following is an entry in ClinVar:

ClinVar aggregate classification (germline): Uncertain significance (1 of 4 stars; one submission).

Conditions:
Hereditary cancer-predisposing syndrome. Also called: Hereditary Cancer Syndrome; Neoplastic Syndromes, Hereditary; Hereditary neoplastic syndrome; Tumor predisposition. Identifiers: Orphanet 140162, MedGen C0027672, MeSH D009386, MONDO:0015356.

Submission:

Ambry Genetics
Classification: Uncertain significance for Hereditary cancer-predisposing syndrome. Last evaluated: 2017-12-07. Review status: criteria provided, single submitter. Criteria: Ambry Variant Classification Scheme 2023. Collection method: clinical testing. Allele origin: germline.
Comment: The p.L55P variant (also known as c.164T>C) is located in coding exon 1 of the STK11 gene. This alteration results from a T to C substitution at nucleotide position 164. The leucine at codon 55 is replaced by proline, an amino acid with some similar properties. Based on protein sequence alignment, this amino acid position is highly conserved in available vertebrate species. In addition, this alteration is predicted to be deleterious by in silico analysis. Since supporting evidence is limited at this time, the clinical significance of this alteration remains unclear.

NM_000455.5(STK11):c.164T>C (p.Leu55Pro)

Gene: STK11 (serine/threonine kinase 11; plus strand). Cytogenetic location: 19p13.3.
Variant type: single nucleotide variant.
Coding change: c.164T>C on transcript NM_000455.5 (MANE Select); coding-DNA position 164, T replaced by C.
Protein change: p.Leu55Pro; replaces leucine 55 with proline.
Molecular consequence: missense variant.
Genome position (GRCh38, 1-based): chr19:1,207,077, T>C. VCF-style: chr19-1207077-T-C. GRCh37 (hg19) VCF-style: chr19-1207076-T-C.
Other names: short protein forms L55P.
Identifiers: ClinVar variation 428779 (VCV000428779.5), dbSNP rs1131690943, ClinGen allele CA402944120.